The following is an entry in ClinVar:

ClinVar aggregate classification (germline): Uncertain significance. Review status: criteria provided, multiple submitters, no conflicts (2 of 4 stars). 3 submissions from 2 submitters: Uncertain significance (3). Last evaluated 2024-02-23.

Conditions:
Corneal dystrophy. Identifiers: Orphanet 34533, MedGen C0010036, MONDO:0018102, HP:0001131.
Bietti crystalline corneoretinal dystrophy (BCD). Also called: Bietti Crystalline Dystrophy; BIETTI TAPETORETINAL DEGENERATION WITH MARGINAL CORNEAL DYSTROPHY. Identifiers: Orphanet 41751, MedGen C1859486, MONDO:0008865, OMIM 210370.

Allele frequency attached by ClinVar (database versions not stated): ExAC 0.00001; gnomAD exomes 0.00001.
gnomAD v4.1: 15 of 1,614,086 alleles (0.00093%); highest among the groups gnomAD compares: Admixed American, 0.005%; no homozygotes.

Submissions (3):

Labcorp Genetics (formerly Invitae), Labcorp
Classification: Uncertain significance. Last evaluated: 2024-02-23. Review status: criteria provided, single submitter. Criteria: Invitae Variant Classification Sherloc (09022015). Collection method: clinical testing. Allele origin: germline.
Comment: This sequence change replaces arginine, which is basic and polar, with cysteine, which is neutral and slightly polar, at codon 221 of the CYP4V2 protein (p.Arg221Cys). This variant is present in population databases (rs745471184, gnomAD 0.006%). This variant has not been reported in the literature in individuals affected with CYP4V2-related conditions. ClinVar contains an entry for this variant (Variation ID: 348305). Advanced modeling of protein sequence and biophysical properties (such as structural, functional, and spatial information, amino acid conservation, physicochemical variation, residue mobility, and thermodynamic stability) has been performed at Invitae for this missense variant, however the output from this modeling did not meet the statistical confidence thresholds required to predict the impact of this variant on CYP4V2 protein function. Algorithms developed to predict the effect of sequence changes on RNA splicing suggest that this variant may disrupt the consensus splice site. In summary, the available evidence is currently insufficient to determine the role of this variant in disease. Therefore, it has been classified as a Variant of Uncertain Significance.

Illumina Laboratory Services, Illumina
Classification: Uncertain significance for Bietti crystalline corneoretinal dystrophy. Last evaluated: 2018-01-13. Review status: criteria provided, single submitter. Criteria: ICSL Variant Classification Criteria 13 December 2019. Collection method: clinical testing. Allele origin: germline.

Illumina Laboratory Services, Illumina
Classification: Uncertain significance for Corneal dystrophy. Last evaluated: 2018-01-13. Review status: criteria provided, single submitter. Criteria: ICSL Variant Classification Criteria 13 December 2019. Collection method: clinical testing. Allele origin: germline.

NM_207352.4(CYP4V2):c.661C>T (p.Arg221Cys)

Gene: CYP4V2 (cytochrome P450 family 4 subfamily V member 2; plus strand). Cytogenetic location: 4q35.1.
Variant type: single nucleotide variant.
Coding change: c.661C>T on transcript NM_207352.4 (MANE Select); coding-DNA position 661, C replaced by T.
Protein change: p.Arg221Cys; replaces arginine 221 with cysteine.
Molecular consequence: missense variant.
Genome position (GRCh38, 1-based): chr4:186,197,589, C>T. VCF-style: chr4-186197589-C-T. GRCh37 (hg19) VCF-style: chr4-187118743-C-T.
Other names: short protein forms R221C.
Identifiers: ClinVar variation 348305 (VCV000348305.9), dbSNP rs745471184, ClinGen allele CA3162617.
Genomic context (GRCh38, chr4:186,197,589, plus strand): 5'-ATAGAAACAGCTATGGGGAAGAATATTGGTGCTCAAAGTAATGATGATTCCGAGTATGTC[C>T]GTGCAGTTTATAGGTAAATGGAGTCCTTTCAGTTATTTTAACAATTATTATTGATTTAGG-3'
Protein context (NP_997235.3, residues 211-231): AQSNDDSEYV[Arg221Cys]AVYRMSEMIF